The following is an entry in ClinVar:

ClinVar aggregate classification (germline): Uncertain significance (1 of 4 stars; one submission).

Conditions:
Familial hemophagocytic lymphohistiocytosis 5. Also called: STXBP2-Related Familial Hemophagocytic Lymphohistiocytosis (STXBP2-fHLH). Identifiers: Orphanet 540, MedGen C2751293, MONDO:0013135, OMIM 613101.

Allele frequency attached by ClinVar (database versions not stated): gnomAD exomes below 0.00001.

Submission:

Labcorp Genetics (formerly Invitae), Labcorp
Classification: Uncertain significance for Familial hemophagocytic lymphohistiocytosis 5. Last evaluated: 2023-11-27. Review status: criteria provided, single submitter. Criteria: Invitae Variant Classification Sherloc (09022015). Collection method: clinical testing. Allele origin: germline.
Comment: This sequence change replaces alanine, which is neutral and non-polar, with valine, which is neutral and non-polar, at codon 503 of the STXBP2 protein (p.Ala503Val). This variant is not present in population databases (gnomAD no frequency). This variant has not been reported in the literature in individuals affected with STXBP2-related conditions. ClinVar contains an entry for this variant (Variation ID: 2194378). Advanced modeling of protein sequence and biophysical properties (such as structural, functional, and spatial information, amino acid conservation, physicochemical variation, residue mobility, and thermodynamic stability) performed at Invitae indicates that this missense variant is not expected to disrupt STXBP2 protein function with a negative predictive value of 80%. In summary, the available evidence is currently insufficient to determine the role of this variant in disease. Therefore, it has been classified as a Variant of Uncertain Significance.

NM_006949.4(STXBP2):c.1508C>T (p.Ala503Val)

Gene: STXBP2 (syntaxin binding protein 2; plus strand). Cytogenetic location: 19p13.2.
Variant type: single nucleotide variant.
Coding change: c.1508C>T on transcript NM_006949.4 (MANE Select); coding-DNA position 1508, C replaced by T.
Protein change: p.Ala503Val; replaces alanine 503 with valine.
Molecular consequence: missense variant. On other transcripts: non-coding transcript variant (1).
Genome position (GRCh38, 1-based): chr19:7,647,217, C>T. VCF-style: chr19-7647217-C-T. GRCh37 (hg19) VCF-style: chr19-7712103-C-T.
Other names: c.1499C>T, p.Ala500Val (NM_001127396.3); c.1541C>T, p.Ala514Val (NM_001272034.2); c.1412C>T, p.Ala471Val (NM_001414484.1); short protein forms A514V, A471V, A500V, A503V.
Identifiers: ClinVar variation 2194378 (VCV002194378.4), dbSNP rs926750328, ClinGen allele CA304912372.